The following is an entry in ClinVar:

ClinVar aggregate classification (germline): Uncertain significance. Review status: criteria provided, single submitter (1 of 4 stars). 2 submissions from 2 submitters: Uncertain significance (1). 1 of the submissions does not count toward it. Last evaluated 2024-08-06.

Conditions:
Seizure. Also called: Seizures. Identifiers: MedGen C0036572, HP:0001250.

Submissions (2):

Labcorp Genetics (formerly Invitae), Labcorp
Classification: Uncertain significance. Last evaluated: 2024-08-06. Review status: criteria provided, single submitter. Criteria: Invitae Variant Classification Sherloc (09022015). Collection method: clinical testing. Allele origin: germline.
Comment: This sequence change replaces glutamine, which is neutral and polar, with histidine, which is basic and polar, at codon 412 of the GRIA3 protein (p.Gln412His). This variant is not present in population databases (gnomAD no frequency). This variant has not been reported in the literature in individuals affected with GRIA3-related conditions. ClinVar contains an entry for this variant (Variation ID: 1684575). Advanced modeling of protein sequence and biophysical properties (such as structural, functional, and spatial information, amino acid conservation, physicochemical variation, residue mobility, and thermodynamic stability) performed at Invitae indicates that this missense variant is not expected to disrupt GRIA3 protein function with a negative predictive value of 80%. In summary, the available evidence is currently insufficient to determine the role of this variant in disease. Therefore, it has been classified as a Variant of Uncertain Significance.

Cytogénomique, Hospices Civils de Lyon
Classification: Likely benign for Seizure. Last evaluated: 2022-05-19. Review status: no assertion criteria provided. Collection method: clinical testing. Allele origin: maternal. Affected: yes. Observed: 1 variant allele, 1 heterozygote. Not counted in ClinVar's aggregate classification.

NM_007325.5(GRIA3):c.1236A>C (p.Gln412His)

Gene: GRIA3 (glutamate ionotropic receptor AMPA type subunit 3; plus strand). Cytogenetic location: Xq25.
Variant type: single nucleotide variant.
Coding change: c.1236A>C on transcript NM_007325.5 (MANE Select); coding-DNA position 1236, A replaced by C.
Protein change: p.Gln412His; replaces glutamine 412 with histidine.
Molecular consequence: missense variant.
Genome position (GRCh38, 1-based): chrX:123,403,462, A>C. VCF-style: chrX-123403462-A-C. GRCh37 (hg19) VCF-style: chrX-122537313-A-C.
Other names: c.1236A>C, p.Gln412His (NM_000828.5); short protein forms Q412H.
Identifiers: ClinVar variation 1684575 (VCV001684575.5), dbSNP rs2045454194, ClinGen allele CA414258740.